The following is an entry in ClinVar:

ClinVar aggregate classification (germline): Likely benign (0 of 4 stars; one submission).

Conditions:
SLC51A-related disorder. Also called: SLC51A-related condition.

Allele frequency attached by ClinVar (database versions not stated): ExAC 0.00001; gnomAD exomes 0.00001; TOPMed 0.00007; gnomAD 0.00012.
gnomAD v4.1: 37 of 1,614,032 alleles (0.0023%); highest among the groups gnomAD compares: African/African-American, 0.036%; no homozygotes.

Submission:

PreventionGenetics, part of Exact Sciences
Classification: Likely benign for SLC51A-related condition. Last evaluated: 2023-06-30. Review status: no assertion criteria provided. Collection method: clinical testing. Allele origin: germline.
Comment: This variant is classified as likely benign based on ACMG/AMP sequence variant interpretation guidelines (Richards et al. 2015 PMID: 25741868, with internal and published modifications).

NM_152672.6(SLC51A):c.603C>T (p.Leu201=)

Gene: SLC51A (solute carrier family 51 member A; plus strand). Cytogenetic location: 3q29.
Variant type: single nucleotide variant.
Coding change: c.603C>T on transcript NM_152672.6 (MANE Select); coding-DNA position 603, C replaced by T.
Protein change: p.Leu201=; no amino-acid change (leucine 201 retained).
Molecular consequence: synonymous variant.
Genome position (GRCh38, 1-based): chr3:196,228,890, C>T. VCF-style: chr3-196228890-C-T. GRCh37 (hg19) VCF-style: chr3-195955761-C-T.
Identifiers: ClinVar variation 3031006 (VCV003031006.2), dbSNP rs780006859, ClinGen allele CA2779147.